The following is an entry in ClinVar:

ClinVar aggregate classification (germline): Pathogenic (1 of 4 stars; one submission).

Conditions:
Autosomal recessive nonsyndromic hearing loss 7. Also called: DEAFNESS, AUTOSOMAL RECESSIVE 11. Identifiers: Orphanet 90636, MedGen C1832978, MONDO:0010967, OMIM 600974.

Submission:

Institute of Rare Diseases, West China Hospital, Sichuan University
Classification: Pathogenic for Autosomal recessive nonsyndromic hearing loss 7. Last evaluated: 2025-01-09. Review status: criteria provided, single submitter. Criteria: ClinGen HL ACMG Specifications v1. Collection method: research. Allele origin: germline. Affected: yes.
Comment: PVS1;PM3_Supporting;PM2_Supporting

NM_138691.3(TMC1):c.1512del (p.Phe504fs)

Gene: TMC1 (transmembrane channel like 1; plus strand). Cytogenetic location: 9q21.13.
Variant type: Deletion.
Coding change: c.1512del on transcript NM_138691.3 (MANE Select); coding-DNA position 1512, one base deleted (T; older notation c.1512delT).
Protein change: p.Phe504fs; shifts the reading frame from phenylalanine 504.
Molecular consequence: frameshift variant.
Genome position (GRCh38, 1-based): chr9:72,792,298, T deleted; the last of 6 consecutive T bases (chr9:72,792,293-72,792,298); deleting any one gives the same sequence. VCF-style (leftmost placement, unchanged base first): chr9-72792292-CT-C. GRCh37 (hg19) VCF-style: chr9-75407208-CT-C.
Other names: short protein forms F504fs.
Identifiers: ClinVar variation 3601891 (VCV003601891.1).